The following is an entry in ClinVar:

NM_001174147.2(LMX1B):c.552C>T (p.Ser184=)

Gene: LMX1B (LIM homeobox transcription factor 1 beta; plus strand). Cytogenetic location: 9q33.3.
Variant type: single nucleotide variant.
Coding change: c.552C>T on transcript NM_001174147.2 (MANE Select); coding-DNA position 552, C replaced by T.
Protein change: p.Ser184=; no amino-acid change (serine 184 retained).
Molecular consequence: synonymous variant.
Genome position (GRCh38, 1-based): chr9:126,691,061, C>T. VCF-style: chr9-126691061-C-T. GRCh37 (hg19) VCF-style: chr9-129453340-C-T.
Other names: c.552C>T, p.Ser184= (NM_002316.4, NM_001174146.2).
Identifiers: ClinVar variation 364879 (VCV000364879.21), dbSNP rs142488434, ClinGen allele CA5242340.

ClinVar aggregate classification (germline): Benign/Likely benign. Review status: criteria provided, multiple submitters, no conflicts (2 of 4 stars). 5 submissions from 5 submitters: Benign (4); Likely benign (1). Last evaluated 2025-12-18.

Conditions:
Focal segmental glomerulosclerosis (FSGS). Also called: Glomerulosclerosis, focal; Focal sclerosis with hyalinosis. Identifiers: MedGen C0017668, MONDO:0100313, HP:0000097. Disease mechanism: loss of function.
Nail-patella syndrome (NPS). Also called: FONG DISEASE; ONYCHOOSTEODYSPLASIA; TURNER-KIESER SYNDROME. Identifiers: Orphanet 2614, MedGen C0027341, MONDO:0008061, OMIM 161200.
Nail-patella-like renal disease. Also called: GLOMERULAR BASEMENT MEMBRANE DISEASE, NAIL-PATELLA SYNDROME TYPE; Focal Segmental Glomerulosclerosis 10. Identifiers: Orphanet 2613, MedGen C0403548, MONDO:0009724, OMIM 256020.

Allele frequency attached by ClinVar (database versions not stated): gnomAD 0.00003 and 0.00068; ESP Exome Variant Server 0.00008; TOPMed 0.00012; gnomAD exomes 0.00127 and 0.00263; 1000 Genomes Project 30x 0.00328; 1000 Genomes Project 0.00359; ExAC 0.00395.
gnomAD v4.1: 1,962 of 1,608,936 alleles (0.12%); highest among the groups gnomAD compares: South Asian, 2%; 37 homozygotes.

Submissions (5):

Labcorp Genetics (formerly Invitae), Labcorp
Classification: Benign. Last evaluated: 2025-12-18. Review status: criteria provided, single submitter. Criteria: Invitae Variant Classification Sherloc (09022015). Collection method: clinical testing. Allele origin: germline.

Fulgent Genetics
Classification: Benign for Nail-patella syndrome; Nail-patella-like renal disease. Last evaluated: 2021-10-02. Review status: criteria provided, single submitter. Criteria: ACMG Guidelines, 2015. Collection method: clinical testing. Allele origin: unknown.

Genome Diagnostics Laboratory, The Hospital for Sick Children
Classification: Benign for Focal segmental glomerulosclerosis. Last evaluated: 2020-12-17. Review status: criteria provided, single submitter. Criteria: ACMG Guidelines, 2015. Collection method: clinical testing. Allele origin: germline.

GeneDx
Classification: Likely benign. Last evaluated: 2020-02-03. Review status: criteria provided, single submitter. Criteria: GeneDx Variant Classification Process June 2021. Collection method: clinical testing. Allele origin: germline. Affected: yes.

Illumina Laboratory Services, Illumina
Classification: Benign for Nail-patella syndrome. Last evaluated: 2018-01-12. Review status: criteria provided, single submitter. Criteria: ICSL Variant Classification Criteria 13 December 2019. Collection method: clinical testing. Allele origin: germline.
Comment: This variant was observed in the ICSL laboratory as part of a predisposition screen in an ostensibly healthy population. It had not been previously curated by ICSL or reported in the Human Gene Mutation Database (HGMD: prior to June 1st, 2018), and was therefore a candidate for classification through an automated scoring system. Utilizing variant allele frequency, disease prevalence and penetrance estimates, and inheritance mode, an automated score was calculated to assess if this variant is too frequent to cause the disease. Based on the score and internal cut-off values, a variant classified as benign is not then subjected to further curation. The score for this variant resulted in a classification of benign for this disease.